The following is an entry in ClinVar:

ClinVar aggregate classification (germline): Uncertain significance (1 of 4 stars; one submission).

Conditions:
Cardiovascular phenotype. Identifiers: MedGen CN230736.

Allele frequency attached by ClinVar (database versions not stated): gnomAD 0.00001; TOPMed 0.00001.
gnomAD v4.1: 1 of 1,614,018 alleles (0.000062%); highest among the groups gnomAD compares: East Asian, 0.0022%; no homozygotes.

Submission:

Ambry Genetics
Classification: Uncertain significance for Cardiovascular phenotype. Last evaluated: 2023-11-02. Review status: criteria provided, single submitter. Criteria: Ambry Variant Classification Scheme 2023. Collection method: clinical testing. Allele origin: germline.
Comment: The p.L920F variant (also known as c.2760G>C), located in coding exon 12 of the MYPN gene, results from a G to C substitution at nucleotide position 2760. The leucine at codon 920 is replaced by phenylalanine, an amino acid with highly similar properties. This amino acid position is conserved. In addition, the in silico prediction for this alteration is inconclusive. Since supporting evidence is limited at this time, the clinical significance of this alteration remains unclear.

NM_032578.4(MYPN):c.2760G>C (p.Leu920Phe)

Gene: MYPN (myopalladin; plus strand). Cytogenetic location: 10q21.3.
Variant type: single nucleotide variant.
Coding change: c.2760G>C on transcript NM_032578.4 (MANE Select); coding-DNA position 2760, G replaced by C.
Protein change: p.Leu920Phe; replaces leucine 920 with phenylalanine.
Molecular consequence: missense variant. On other transcripts: non-coding transcript variant (2).
Genome position (GRCh38, 1-based): chr10:68,188,961, G>C. VCF-style: chr10-68188961-G-C. GRCh37 (hg19) VCF-style: chr10-69948718-G-C.
Other names: c.2760G>C, p.Leu920Phe (NM_001256267.2); c.1878G>C, p.Leu626Phe (NM_001256268.2); short protein forms L626F, L920F.
Identifiers: ClinVar variation 3228165 (VCV003228165.1), dbSNP rs1261406280, ClinGen allele CA376853304.